The following is an entry in ClinVar:

NM_006231.4(POLE):c.4150-90dup

Gene: POLE (DNA polymerase epsilon, catalytic subunit; minus strand). Cytogenetic location: 12q24.33.
Variant type: Duplication.
Coding change: c.4150-90dup on transcript NM_006231.4 (MANE Select); 90 bases into the intron before coding-DNA position 4150, one base duplicated (C; older notation c.4150-90dupC).
Molecular consequence: intron variant.
Genome position (GRCh38, 1-based): chr12:132,644,067, G duplicated on the plus strand (C on the coding strand, the reverse complement: POLE is on the minus strand). VCF-style (leftmost placement, unchanged base first): chr12-132644066-A-AG. GRCh37 (hg19) VCF-style: chr12-133220652-A-AG.
Identifiers: ClinVar variation 676498 (VCV000676498.1), dbSNP rs5744932, ClinGen allele CA246305295.

ClinVar aggregate classification (germline): Benign (1 of 4 stars; one submission).

Allele frequency attached by ClinVar (database versions not stated): gnomAD exomes 0.60278; gnomAD 0.68532 and 0.68733; TOPMed 0.70475; 1000 Genomes Project 0.72883; 1000 Genomes Project 30x 0.73376.

Submission:

GeneDx
Classification: Benign. Last evaluated: 2018-06-20. Review status: criteria provided, single submitter. Criteria: GeneDx Variant Classification (06012015). Collection method: clinical testing. Allele origin: germline. Affected: yes.
Comment: This variant is considered likely benign or benign based on one or more of the following criteria: it is a conservative change, it occurs at a poorly conserved position in the protein, it is predicted to be benign by multiple in silico algorithms, and/or has population frequency not consistent with disease.